The following is an entry in ClinVar:

NM_000390.4(CHM):c.1414-14T>G

Gene: CHM (CHM Rab escort protein; minus strand). Cytogenetic location: Xq21.2.
Variant type: single nucleotide variant.
Coding change: c.1414-14T>G on transcript NM_000390.4 (MANE Select); 14 bases into the intron before coding-DNA position 1414, T replaced by G.
Molecular consequence: intron variant.
Genome position (GRCh38, 1-based): chrX:85,894,298, A>C on the plus strand (T>G on the coding strand, the complement: CHM is on the minus strand). VCF-style: chrX-85894298-A-C. GRCh37 (hg19) VCF-style: chrX-85149303-A-C.
Other names: c.970-14T>G (NM_001362519.1, NM_001362517.1, NM_001320959.1 and 1 more transcripts).
Identifiers: ClinVar variation 4701235 (VCV004701235.1).

ClinVar aggregate classification (germline): Uncertain significance (1 of 4 stars; one submission).

Submission:

Labcorp Genetics (formerly Invitae), Labcorp
Classification: Uncertain significance. Last evaluated: 2025-03-25. Review status: criteria provided, single submitter. Criteria: Invitae Variant Classification Sherloc (09022015). Collection method: clinical testing. Allele origin: germline.
Comment: This sequence change falls in intron 11 of the CHM gene. It does not directly change the encoded amino acid sequence of the CHM protein. This variant is not present in population databases (gnomAD no frequency). This variant has not been reported in the literature in individuals affected with CHM-related conditions. Algorithms developed to predict the effect of sequence changes on RNA splicing suggest that this variant may disrupt the consensus splice site. In summary, the available evidence is currently insufficient to determine the role of this variant in disease. Therefore, it has been classified as a Variant of Uncertain Significance.